The following is an entry in ClinVar:

ClinVar aggregate classification (germline): Pathogenic. Review status: criteria provided, single submitter (1 of 4 stars). 3 submissions from 3 submitters: Pathogenic (1). 2 of the submissions do not count toward it. Last evaluated 2023-07-18.

Conditions:
Hydatidiform mole, recurrent, 1 (HYDM1). Identifiers: Orphanet 254688, Orphanet 99927, MedGen C3463897, MONDO:0009273, OMIM 231090. Disease mechanism: loss of function.

Allele frequency attached by ClinVar (database versions not stated): TOPMed 0.00003.
gnomAD v4.1: 86 of 1,613,900 alleles (0.0053%); highest among the groups gnomAD compares: South Asian, 0.022%; no homozygotes.

Submissions (3):

Genetics and Molecular Pathology, SA Pathology
Classification: Pathogenic for Hydatidiform mole, recurrent, 1. Last evaluated: 2023-07-18. Review status: criteria provided, single submitter. Criteria: ACMG Guidelines, 2015. Collection method: clinical testing. Allele origin: germline. Inheritance: Autosomal recessive inheritance. Affected: yes.
Comment: The NLRP7 c.2078G>C variant is classified as PATHOGENIC (PM5, PM3_Strong, PP1_Strong, PS3_Supporting, PP4). The NLRP7 c.2078G>C variant is a single nucleotide change in exon 5/11 of the NLRP7 gene, which is predicted to change the amino acid arginine at position 693 in the protein to proline. This variant is a missense change at an amino acid residue where two different pathogenic missense changes have been seen before: p.(Arg693Gln) and p.(Arg693Trp) (ClinVar Variation IDs: 1591, 1586) (PM5). This variant has been detected homozygous or compound heterozygous with a pathogenic variant in multiple unrelated families (PMID: 16462743, 19246479) (PM3_Strong). This variant co-segregates with disease and has been detected homozogyous or compound heterozygous with a pathogenic variant in six unrelated, non-consanguineous Indian/Pakistani families. Haplotype analysis showed a common haplotype associated with the pathogenic variant, suggesting a potential founder mutation (PMID: 19650864) (PP1_Strong). Genome-wide methylation studies on molar tissue from two sisters homozygous for the variant demonstrated aberrant methylation at maternal differentially methylated regions compared to non-molar normal placental tissue (PMID: 26544189) (PS3_Supporting). The clinical history is highly specific for the NLRP7 gene (PP4). The variant has been reported in dbSNP (rs104895502) and is present in population databases (gnomAD v3.1.2 allele frequency = 0.002%, 3 het/152030 alleles). It is reported as disease causing in the HGMD database (CM061147) and is reported as Pathogenic by other diagnostic laboratories (ClinVar Variation ID: 1587).

OMIM
Classification: Pathogenic for HYDATIDIFORM MOLE, RECURRENT, 1. Last evaluated: 2009-09-01. Review status: no assertion criteria provided. Collection method: literature only. Allele origin: germline. Not counted in ClinVar's aggregate classification.

Unité médicale des maladies autoinflammatoires, CHRU Montpellier
No classification provided. Condition: Hydatidiform mole. Review status: no classification provided. Collection method: not provided. Allele origin: unknown. Not counted in ClinVar's aggregate classification.

Literature cited by the submitters: PubMed 16462743 (cited by Genetics and Molecular Pathology, SA Pathology and OMIM); PubMed 19246479 (cited by Genetics and Molecular Pathology, SA Pathology and OMIM); PubMed 19650864 (cited by Genetics and Molecular Pathology, SA Pathology and OMIM); PubMed 26544189 (cited by Genetics and Molecular Pathology, SA Pathology); PubMed 14756744 (cited by OMIM).

NM_001127255.2(NLRP7):c.2078G>C (p.Arg693Pro)

Genes: NLRP7 (NLR family pyrin domain containing 7; minus strand), NCR1 (natural cytotoxicity triggering receptor 1). Cytogenetic location: 19q13.42.
Variant type: single nucleotide variant.
Coding change: c.2078G>C on transcript NM_001127255.2 (MANE Select); coding-DNA position 2078, G replaced by C.
Protein change: p.Arg693Pro; replaces arginine 693 with proline.
Molecular consequence: missense variant.
Genome position (GRCh38, 1-based): chr19:54,938,095, C>G on the plus strand (G>C on the coding strand, the complement: NLRP7 is on the minus strand). VCF-style: chr19-54938095-C-G. GRCh37 (hg19) VCF-style: chr19-55449463-C-G.
Other names: c.2078G>C, p.Arg693Pro (NM_001405531.1, NM_206828.4); c.1994G>C, p.Arg665Pro (NM_139176.4); short protein forms R693P, R665P.
Identifiers: ClinVar variation 1587 (VCV000001587.3), dbSNP rs104895502, ClinGen allele CA115078.
Genomic context (GRCh38, chr19:54,938,095, plus strand): 5'-TCTACTTACTCCACTTTCTGCAGATGACAGGTGCTACGGGTTACGTGGTCACAAAGAATC[C>G]GCACAGAAGAGTCACTCAGGAAGCTTTGTTTCACTTCCAGAAACTTGAGGTTGCTGTTTG-3'
Protein context (NP_001120727.1, residues 683-703): KQSFLSDSSV[Arg693Pro]ILCDHVTRST